The following is an entry in ClinVar:

ClinVar aggregate classification (germline): Uncertain significance. Review status: criteria provided, multiple submitters, no conflicts (2 of 4 stars). 3 submissions from 3 submitters: Uncertain significance (3). Last evaluated 2025-08-15.

Conditions:
Cortical dysplasia-focal epilepsy syndrome (PTHSL1). Also called: Pitt-Hopkins-like syndrome 1. Identifiers: Orphanet 163681, Orphanet 221150, MedGen C2750246, MONDO:0012400, OMIM 610042.
Autism, susceptibility to, 15. Also called: Autism susceptibility 15. Identifiers: MedGen C2677504, MONDO:0012801, OMIM 612100.

Allele frequency attached by ClinVar (database versions not stated): gnomAD 0.00001; gnomAD exomes 0.00003; ExAC 0.00004; TOPMed 0.00005; ESP Exome Variant Server 0.00008.
gnomAD v4.1: 54 of 1,613,888 alleles (0.0033%); highest among the groups gnomAD compares: South Asian, 0.0066%; no homozygotes.

Submissions (3):

Labcorp Genetics (formerly Invitae), Labcorp
Classification: Uncertain significance for Cortical dysplasia-focal epilepsy syndrome. Last evaluated: 2025-08-15. Review status: criteria provided, single submitter. Criteria: Invitae Variant Classification Sherloc (09022015). Collection method: clinical testing. Allele origin: germline.
Comment: This sequence change replaces arginine, which is basic and polar, with glutamine, which is neutral and polar, at codon 1016 of the CNTNAP2 protein (p.Arg1016Gln). This variant is present in population databases (rs143879959, gnomAD 0.009%). This variant has not been reported in the literature in individuals affected with CNTNAP2-related conditions. ClinVar contains an entry for this variant (Variation ID: 842773). An algorithm developed to predict the effect of missense changes on protein structure and function (PolyPhen-2) suggests that this variant is likely to be tolerated. In summary, the available evidence is currently insufficient to determine the role of this variant in disease. Therefore, it has been classified as a Variant of Uncertain Significance.

Blueprint Genetics
Classification: Uncertain significance. Last evaluated: 2024-10-22. Review status: criteria provided, single submitter. Criteria: ACMG Guidelines, 2015. Collection method: clinical testing. Allele origin: germline.

Foundation for Research in Genetics and Endocrinology, FRIGE's Institute of Human Genetics
Classification: Uncertain significance for Autism, susceptibility to, 15. Last evaluated: 2022-11-26. Review status: criteria provided, single submitter. Criteria: ACMG Guidelines, 2015. Collection method: clinical testing. Allele origin: germline. Affected: yes. Observed: 1 heterozygote.
Comment: A heterozygous missense variation in exon 19 of the CNTNAP2 gene that results in the amino acid substitution of Glutamine for Arginine at codon 1016 (p.Arg1016Gln) was detected. This variant has not been reported in the 1000 genomes databases. The in silico prediction of the variant is damaging by LRT. The reference codon is conserved across species. In summary, the variant meets our criteria to be classified as variant of uncertain significance.

NM_014141.6(CNTNAP2):c.3047G>A (p.Arg1016Gln)

Gene: CNTNAP2 (contactin associated protein 2; plus strand). Cytogenetic location: 7q36.1.
Variant type: single nucleotide variant.
Coding change: c.3047G>A on transcript NM_014141.6 (MANE Select); coding-DNA position 3047, G replaced by A.
Protein change: p.Arg1016Gln; replaces arginine 1016 with glutamine.
Molecular consequence: missense variant.
Genome position (GRCh38, 1-based): chr7:148,217,324, G>A. VCF-style: chr7-148217324-G-A. GRCh37 (hg19) VCF-style: chr7-147914416-G-A.
Other names: p.Arg1016Gln; short protein forms R1016Q.
Identifiers: ClinVar variation 842773 (VCV000842773.11), dbSNP rs143879959, ClinGen allele CA4546541.
Genomic context (GRCh38, chr7:148,217,324, plus strand): 5'-AATTCTCTCTCTCCTTTATAACAGATGTTGGTGCATTTTTTGAAGAAGGGATGTGGCTAC[G>A]ATATAACTTTCAGGCACCAGCAACAAATGCCAGAGACTCCAGCAGCAGAGTAGACAACGC-3'
Protein context (NP_054860.1, residues 1006-1026): GAFFEEGMWL[Arg1016Gln]YNFQAPATNA